The following is an entry in ClinVar:

NM_000016.6(ACADM):c.468+7A>G

Gene: ACADM (acyl-CoA dehydrogenase medium chain; plus strand). Cytogenetic location: 1p31.1.
Variant type: single nucleotide variant.
Coding change: c.468+7A>G on transcript NM_000016.6 (MANE Select); 7 bases into the intron after coding-DNA position 468, A replaced by G.
Molecular consequence: intron variant.
Genome position (GRCh38, 1-based): chr1:75,734,878, A>G. VCF-style: chr1-75734878-A-G. GRCh37 (hg19) VCF-style: chr1-76200563-A-G.
Other names: c.468+7A>G (NM_000016.5); c.480+7A>G (NM_001127328.3); c.567+7A>G (NM_001286043.2); c.360+7A>G (NM_001286042.2); c.-100+1956A>G (NM_001286044.2).
Identifiers: ClinVar variation 4531669 (VCV004531669.2).

ClinVar aggregate classification (germline): Conflicting classifications of pathogenicity. Review status: criteria provided, conflicting classifications (1 of 4 stars). 2 submissions from 2 submitters: Likely pathogenic (1); Uncertain significance (1). Last evaluated 2025-08-19.

Conditions:
Medium-chain acyl-coenzyme A dehydrogenase deficiency (ACADMD). Also called: MCADH DEFICIENCY; ACADM DEFICIENCY; CARNITINE DEFICIENCY SECONDARY TO MEDIUM-CHAIN ACYL-CoA DEHYDROGENASE DEFICIENCY; MCADD; MCAD Deficiency; Medium chain acyl-CoA dehydrogenase deficiency. Identifiers: Orphanet 42, MedGen C0220710, MONDO:0008721, OMIM 201450.

Submissions (2):

Victorian Clinical Genetics Services, Murdoch Childrens Research Institute
Classification: Uncertain significance for Medium-chain acyl-coenzyme A dehydrogenase deficiency. Last evaluated: 2025-08-19. Review status: criteria provided, single submitter. Criteria: ACMG Guidelines, 2015. Collection method: clinical testing. Allele origin: germline. Affected: yes.
Comment: This variant is classified as VUS-3A. Evidence in support of pathogenic classification: Splice site variant proven to affect splicing of the transcript with uncertain effect on protein sequence. This variant has been reported to result in the skipping of exon 6 via a minigene assay, however the product was not sequenced. Normal splicing has also been detected, however quantitation of the spliced products was not provided (PMID: 32558887); Variant is present in gnomAD <0.01 for a recessive condition (v4: 4 heterozygote(s), 0 homozygote(s)); This variant has limited previous evidence of pathogenicity in unrelated individual(s). This variant has been reported in an individual with MCAD deficiency detected on newborn screening, a pathogenic missense variant was also detected, but phase information was not available (PMID: 16291504). - Very strong and specific phenotype match for this individual. Additional information: This variant is homozygous; This gene is associated with autosomal recessive disease; No published evidence of segregation with disease has been identified for this variant; Another splice region variant(s) comparable to the one identified in this case has inconclusive previous evidence for pathogenicity. c.468+7A>T has been reported in the literature in an individual with a biochemical phenotype consistent with MCAD deficiency, however, it was unclear whether they had a second hit (PMID: 27308838). It was also classified as a VUS by a clinical laboratory in ClinVar; Loss of function is a known mechanism of disease in this gene and is associated with deficiency of medium chain acyl-CoA dehydrogenase (MCAD) (MIM#201450); Variants in this gene are known to have variable expressivity. Clinical presentation varies from asymptomatic to fulminant course (OMIM); Inheritance information for this variant is not currently available in this individual.

Natera, Inc.
Classification: Likely pathogenic for Medium Chain Acyl-CoA Dehydrogenase Deficiency. Last evaluated: 2025-07-07. Review status: criteria provided, single submitter. Criteria: Natera Variant Classification Schema (03/2026). Collection method: clinical testing. Allele origin: germline.
Comment: The c.468+7A>G variant in ACADM is an intronic variant located outside the canonical splice sites. This variant is rare in the general population with a frequency below the threshold expected for the associated phenotype(s). This variant has been observed in one or more individuals affected with the associated recessive disease, as either homozygous or compound heterozygous with a second variant (PMID: 16291504). Functional studies show that this variant may disrupt protein function (PMID: 32558887). Computational prediction algorithms indicate this variant is likely to affect gene or protein function. Given the available evidence, this variant is classified as Likely Pathogenic.

Literature cited by the submitters: PubMed 27308838 (cited by Victorian Clinical Genetics Services, Murdoch Childrens Research Institute); PubMed 32558887 (cited by Victorian Clinical Genetics Services, Murdoch Childrens Research Institute and Natera, Inc.); PubMed 16291504 (cited by Victorian Clinical Genetics Services, Murdoch Childrens Research Institute and Natera, Inc.).